The following is an entry in ClinVar:

ClinVar aggregate classification (germline): Conflicting classifications of pathogenicity. Review status: criteria provided, conflicting classifications (1 of 4 stars). 9 submissions from 9 submitters: Uncertain significance (4); Likely benign (4). 1 of the submissions does not count toward it. Last evaluated 2026-01-21.

Conditions:
Cardiovascular phenotype. Identifiers: MedGen CN230736.
Auditory neuropathy, autosomal dominant 3 (AUNA3). Identifiers: MedGen C5676964, MONDO:0859235, OMIM 619832.
Arrhythmogenic right ventricular dysplasia 5. Also called: ARRHYTHMOGENIC RIGHT VENTRICULAR DYSPLASIA, FAMILIAL, 5; Arrhythmogenic Right Ventricular Dysplasia/Cardiomyopathy 5. Identifiers: MedGen C1858379, MONDO:0011459, OMIM 604400.
Emery-Dreifuss muscular dystrophy 7, autosomal dominant (EDMD7). Also called: Emery-Dreifuss muscular dystrophy 7, AD. Identifiers: Orphanet 261, MedGen C3553060, MONDO:0013677, OMIM 614302.
Arrhythmogenic right ventricular cardiomyopathy (ARVD). Also called: Arrhythmogenic right ventricular dysplasia; Arrhythmogenic cardiomyopathy; Arrhythmogenic Right Ventricular Cardiomyopathy (ARVC); Cardiomyopathy, ARVC. Identifiers: Orphanet 247, MedGen C0349788, MeSH D019571, MONDO:0016587. Disease mechanism: loss of function. Inheritance: Various modes of inheritance.
Cardiomyopathy (CMYO). Also called: Cardiomyopathies. Identifiers: Orphanet 167848, MedGen C0878544, MONDO:0004994, HP:0001638. Inheritance: Various modes of inheritance.

Allele frequency attached by ClinVar (database versions not stated): TOPMed 0.00003; ESP Exome Variant Server 0.00008; gnomAD 0.00010.
gnomAD v4.1: 108 of 1,613,662 alleles (0.0067%); highest among the groups gnomAD compares: Non-Finnish European, 0.0045%; no homozygotes.

Submissions (9):

Labcorp Genetics (formerly Invitae), Labcorp
Classification: Likely benign for Arrhythmogenic right ventricular dysplasia 5. Last evaluated: 2026-01-21. Review status: criteria provided, single submitter. Criteria: Invitae Variant Classification Sherloc (09022015). Collection method: clinical testing. Allele origin: germline.

Women's Health and Genetics/Laboratory Corporation of America, LabCorp
Classification: Likely benign. Last evaluated: 2025-05-23. Review status: criteria provided, single submitter. Criteria: LabCorp Variant Classification Summary - May 2015. Collection method: clinical testing. Allele origin: germline.
Comment: Variant summary: TMEM43 c.169G>A (p.Ala57Thr) results in a non-conservative amino acid change in the encoded protein sequence. Algorithms developed to predict the effect of missense changes on protein structure and function are either unavailable or do not agree on the potential impact of this missense change. The variant allele was found at a frequency of 9.2e-05 in 251080 control chromosomes. The observed variant frequency is approximately 11 fold of the estimated maximal expected allele frequency for a pathogenic variant in TMEM43 causing Arrhythmogenic Right Ventricular Dysplasia/Cardiomyopathy phenotype (8.3e-06). c.169G>A has been observed in individual(s) affected with Arrhythmogenic Right Ventricular Dysplasia/Cardiomyopathy (Baskin_2013), as well as multiple individuals that underwent exome sequencing that did not have a diagnosis of Arrhythmogenic Right Ventricular Dysplasia (Haggerty_2017). These report(s) do not provide unequivocal conclusions about association of the variant with Arrhythmogenic Right Ventricular Dysplasia/Cardiomyopathy. To our knowledge, no experimental evidence demonstrating an impact on protein function has been reported. The following publications have been ascertained in the context of this evaluation (PMID: 23812740, 28471438). ClinVar contains an entry for this variant (Variation ID: 88981). Based on the evidence outlined above, the variant was classified as likely benign.

Fulgent Genetics
Classification: Uncertain significance for Arrhythmogenic right ventricular dysplasia 5; Emery-Dreifuss muscular dystrophy 7, autosomal dominant; Auditory neuropathy, autosomal dominant 3. Last evaluated: 2024-01-03. Review status: criteria provided, single submitter. Criteria: ACMG Guidelines, 2015. Collection method: clinical testing. Allele origin: germline.

Ambry Genetics
Classification: Likely benign for Cardiovascular phenotype. Last evaluated: 2021-07-23. Review status: criteria provided, single submitter. Criteria: Ambry Variant Classification Scheme 2023. Collection method: clinical testing. Allele origin: germline.

GeneDx
Classification: Uncertain significance. Last evaluated: 2020-06-17. Review status: criteria provided, single submitter. Criteria: GeneDx Variant Classification Process June 2021. Collection method: clinical testing. Allele origin: germline. Affected: yes.
Comment: Identified in several individuals from an unselected cohort of community health system patients who underwent exome sequencing; none of these individuals were found to carry a diagnosis of ARVC based on electronic health record review (Haggerty et al., 2017); Reported in ClinVar as a variant of uncertain significance (ClinVar Variant ID#88981; Landrum et al., 2016); In silico analysis, which includes protein predictors and evolutionary conservation, supports a deleterious effect; This variant is associated with the following publications: (PMID: 31402444, 28471438, 27153395, 26183555, 23812740)

Color Diagnostics, LLC DBA Color Health
Classification: Likely benign for Cardiomyopathy. Last evaluated: 2019-12-07. Review status: criteria provided, single submitter. Criteria: ACMG Guidelines, 2015. Collection method: clinical testing. Allele origin: germline.

Biesecker Lab/Clinical Genomics Section, National Institutes of Health
Classification: Uncertain significance. Last evaluated: 2013-06-24. Review status: criteria provided, single submitter. Criteria: Ng et al. (Circ Cardiovasc Genet. 2013). Collection method: research. Allele origin: unknown. Observed: 1 variant allele. Study: ClinSeq.
Comment: The study set was not selected for affection status in relation to any cancer. Pathogenicity categories were based on literature curation. See Pubmed ID:23861362 for details.

Medical sequencing

Molecular Diagnostic Laboratory for Inherited Cardiovascular Disease, Montreal Heart Institute
Classification: Uncertain significance for Arrhythmogenic right ventricular cardiomyopathy. Review status: criteria provided, single submitter. Criteria: ACMG Guidelines, 2015. Collection method: clinical testing. Allele origin: germline. Affected: yes.

OMIM
Classification: Pathogenic for ARRHYTHMOGENIC RIGHT VENTRICULAR DYSPLASIA, FAMILIAL, 5. Last evaluated: 2013-11-01. Review status: no assertion criteria provided. Collection method: literature only. Allele origin: germline. Not counted in ClinVar's aggregate classification.

Literature cited by the submitters: PubMed 23812740 (cited by 3 submitters); PubMed 28471438 (cited by Women's Health and Genetics/Laboratory Corporation of America, LabCorp and Ambry Genetics); PubMed 23861362 (cited by Ambry Genetics); PubMed 27153395 (cited by Ambry Genetics).

NM_024334.3(TMEM43):c.169G>A (p.Ala57Thr)

Gene: TMEM43 (transmembrane protein 43; plus strand). Cytogenetic location: 3p25.1.
Variant type: single nucleotide variant.
Coding change: c.169G>A on transcript NM_024334.3 (MANE Select); coding-DNA position 169, G replaced by A.
Protein change: p.Ala57Thr; replaces alanine 57 with threonine.
Molecular consequence: missense variant.
Genome position (GRCh38, 1-based): chr3:14,130,828, G>A. VCF-style: chr3-14130828-G-A. GRCh37 (hg19) VCF-style: chr3-14172328-G-A.
Other names: short protein forms A57T.
Identifiers: ClinVar variation 88981 (VCV000088981.24), dbSNP rs151010429, ClinGen allele CA024618.